The following is an entry in ClinVar:

NM_001287.6(CLCN7):c.2293G>C (p.Gly765Arg)

Gene: CLCN7 (chloride voltage-gated channel 7; minus strand). Cytogenetic location: 16p13.3.
Variant type: single nucleotide variant.
Coding change: c.2293G>C on transcript NM_001287.6 (MANE Select); coding-DNA position 2293, G replaced by C.
Protein change: p.Gly765Arg; replaces glycine 765 with arginine.
Molecular consequence: missense variant.
Genome position (GRCh38, 1-based): chr16:1,447,044, C>G on the plus strand (G>C on the coding strand, the complement: CLCN7 is on the minus strand). VCF-style: chr16-1447044-C-G. GRCh37 (hg19) VCF-style: chr16-1497045-C-G.
Other names: c.2221G>C, p.Gly741Arg (NM_001114331.3); short protein forms G741R, G765R.
Identifiers: ClinVar variation 1371049 (VCV001371049.6), dbSNP rs2142364942, ClinGen allele CA394185213.

ClinVar aggregate classification (germline): Uncertain significance (1 of 4 stars; one submission).

Submission:

Labcorp Genetics (formerly Invitae), Labcorp
Classification: Uncertain significance. Last evaluated: 2021-10-20. Review status: criteria provided, single submitter. Criteria: Invitae Variant Classification Sherloc (09022015). Collection method: clinical testing. Allele origin: germline.
Comment: Advanced modeling of protein sequence and biophysical properties (such as structural, functional, and spatial information, amino acid conservation, physicochemical variation, residue mobility, and thermodynamic stability) performed at Invitae indicates that this missense variant is expected to disrupt CLCN7 protein function. In summary, the available evidence is currently insufficient to determine the role of this variant in disease. Therefore, it has been classified as a Variant of Uncertain Significance. This variant disrupts the p.Gly765 amino acid residue in CLCN7. Other variant(s) that disrupt this residue have been observed in individuals with CLCN7-related conditions (PMID: 11741829), which suggests that this may be a clinically significant amino acid residue. This variant is also known as p.Gly741Arg. This missense change has been observed in individual(s) with autosomal dominant osteopetrosis (PMID: 21947783). This variant is not present in population databases (ExAC no frequency). This sequence change replaces glycine with arginine at codon 765 of the CLCN7 protein (p.Gly765Arg). The glycine residue is highly conserved and there is a moderate physicochemical difference between glycine and arginine.

Literature cited by the submitters: PubMed 11741829; PubMed 21947783.